The following is an entry in ClinVar:

ClinVar aggregate classification (germline): Uncertain significance. Review status: criteria provided, multiple submitters, no conflicts (2 of 4 stars). 2 submissions from 2 submitters: Uncertain significance (2). Last evaluated 2025-12-11.

Allele frequency attached by ClinVar (database versions not stated): gnomAD exomes 0.00001 and 0.00004; ExAC 0.00004; gnomAD 0.00004; TOPMed 0.00004; 1000 Genomes Project 30x 0.00016; 1000 Genomes Project 0.00020.
gnomAD v4.1: 23 of 1,592,786 alleles (0.0014%); highest among the groups gnomAD compares: East Asian, 0.018%; no homozygotes.

Submissions (2):

Ambry Genetics
Classification: Uncertain significance. Last evaluated: 2025-12-11. Review status: criteria provided, single submitter. Criteria: Ambry Variant Classification Scheme 2023. Collection method: clinical testing. Allele origin: germline.

Labcorp Genetics (formerly Invitae), Labcorp
Classification: Uncertain significance. Last evaluated: 2025-03-30. Review status: criteria provided, single submitter. Criteria: Invitae Variant Classification Sherloc (09022015). Collection method: clinical testing. Allele origin: germline.
Comment: This sequence change replaces serine, which is neutral and polar, with leucine, which is neutral and non-polar, at codon 578 of the PLEKHM2 protein (p.Ser578Leu). This variant is present in population databases (rs540693679, gnomAD 0.02%). This variant has not been reported in the literature in individuals affected with PLEKHM2-related conditions. ClinVar contains an entry for this variant (Variation ID: 1426689). An algorithm developed to predict the effect of missense changes on protein structure and function outputs the following: PolyPhen-2: "Benign". The leucine amino acid residue is found in multiple mammalian species, which suggests that this missense change does not adversely affect protein function. In summary, the available evidence is currently insufficient to determine the role of this variant in disease. Therefore, it has been classified as a Variant of Uncertain Significance.

NM_015164.4(PLEKHM2):c.1733C>T (p.Ser578Leu)

Gene: PLEKHM2 (pleckstrin homology and RUN domain containing M2; plus strand). Cytogenetic location: 1p36.21.
Variant type: single nucleotide variant.
Coding change: c.1733C>T on transcript NM_015164.4 (MANE Select); coding-DNA position 1733, C replaced by T.
Protein change: p.Ser578Leu; replaces serine 578 with leucine.
Molecular consequence: missense variant.
Genome position (GRCh38, 1-based): chr1:15,727,805, C>T. VCF-style: chr1-15727805-C-T. GRCh37 (hg19) VCF-style: chr1-16054300-C-T.
Other names: c.1733C>T (NM_015164.2); short protein forms S578L.
Identifiers: ClinVar variation 1426689 (VCV001426689.8), dbSNP rs540693679, ClinGen allele CA616981.